The following is an entry in ClinVar:

ClinVar aggregate classification (germline): Conflicting classifications of pathogenicity. Review status: criteria provided, conflicting classifications (1 of 4 stars). 3 submissions from 3 submitters: Uncertain significance (2); Likely benign (1). Last evaluated 2026-01-25.

Conditions:
Hereditary breast ovarian cancer syndrome. Also called: Hereditary breast and ovarian cancer syndrome; Hereditary breast and ovarian cancer; Hereditary breast and ovarian cancer syndrome (HBOC); Breast and ovarian cancer; Hereditary breast and/or ovarian cancer syndrome; BRCA1- and BRCA2-Associated Hereditary Breast and Ovarian Cancer. Identifiers: Orphanet 145, MedGen C0677776, MeSH D061325, MONDO:0003582. Disease mechanism: loss of function.
Hereditary cancer-predisposing syndrome. Also called: Neoplastic Syndromes, Hereditary; Tumor predisposition; Hereditary Cancer Syndrome; Hereditary neoplastic syndrome. Identifiers: Orphanet 140162, MedGen C0027672, MeSH D009386, MONDO:0015356.

Submissions (3):

Labcorp Genetics (formerly Invitae), Labcorp
Classification: Uncertain significance for Hereditary breast ovarian cancer syndrome. Last evaluated: 2026-01-25. Review status: criteria provided, single submitter. Criteria: Invitae Variant Classification Sherloc (09022015). Collection method: clinical testing. Allele origin: germline.
Comment: This sequence change replaces asparagine, which is neutral and polar, with serine, which is neutral and polar, at codon 818 of the BRCA2 protein (p.Asn818Ser). This variant is not present in population databases (gnomAD no frequency). This variant has not been reported in the literature in individuals affected with BRCA2-related conditions. ClinVar contains an entry for this variant (Variation ID: 481585). Invitae Evidence Modeling of protein sequence and biophysical properties (such as structural, functional, and spatial information, amino acid conservation, physicochemical variation, residue mobility, and thermodynamic stability) indicates that this missense variant is not expected to disrupt BRCA2 protein function with a negative predictive value of 95%. In summary, the available evidence is currently insufficient to determine the role of this variant in disease. Therefore, it has been classified as a Variant of Uncertain Significance.

University of Washington Department of Laboratory Medicine, University of Washington
Classification: Likely benign for Hereditary cancer-predisposing syndrome. Last evaluated: 2023-03-23. Review status: criteria provided, single submitter. Criteria: Dines et al. (Genet Med. 2020). Collection method: curation. Allele origin: germline.
Comment: Missense variant in a coldspot region where missense variants are very unlikely to be pathogenic (PMID:31911673).

BRCA2 exon 11 coldspot. Reclassification based on statistical prior probability.

Ambry Genetics
Classification: Uncertain significance for Hereditary cancer-predisposing syndrome. Last evaluated: 2016-12-22. Review status: criteria provided, single submitter. Criteria: Ambry Variant Classification Scheme 2023. Collection method: clinical testing. Allele origin: germline.
Comment: The p.N818S variant (also known as c.2453A>G), located in coding exon 10 of the BRCA2 gene, results from an A to G substitution at nucleotide position 2453. The asparagine at codon 818 is replaced by serine, an amino acid with highly similar properties. This amino acid position is not well conserved in available vertebrate species. In addition, this alteration is predicted to be tolerated by in silico analysis. Since supporting evidence is limited at this time, the clinical significance of this alteration remains unclear.

NM_000059.4(BRCA2):c.2453A>G (p.Asn818Ser)

Gene: BRCA2 (BRCA2 DNA repair associated; plus strand). Cytogenetic location: 13q13.1.
Variant type: single nucleotide variant.
Coding change: c.2453A>G on transcript NM_000059.4 (MANE Select); coding-DNA position 2453, A replaced by G.
Protein change: p.Asn818Ser; replaces asparagine 818 with serine.
Molecular consequence: missense variant.
Genome position (GRCh38, 1-based): chr13:32,336,808, A>G. VCF-style: chr13-32336808-A-G. GRCh37 (hg19) VCF-style: chr13-32910945-A-G.
Other names: short protein forms N818S.
Identifiers: ClinVar variation 481585 (VCV000481585.9), dbSNP rs1555282681, ClinGen allele CA387772289.